The following is an entry in ClinVar:

NM_001134831.2(AHI1):c.1912+5G>T

Gene: AHI1 (Abelson helper integration site 1; minus strand). Cytogenetic location: 6q23.3.
Variant type: single nucleotide variant.
Coding change: c.1912+5G>T on transcript NM_001134831.2 (MANE Select); 5 bases into the intron after coding-DNA position 1912, G replaced by T.
Molecular consequence: intron variant.
Genome position (GRCh38, 1-based): chr6:135,442,577, C>A on the plus strand (G>T on the coding strand, the complement: AHI1 is on the minus strand). VCF-style: chr6-135442577-C-A. GRCh37 (hg19) VCF-style: chr6-135763715-C-A.
Other names: c.1912+5G>T (NM_001134830.2, NM_001350503.2, NM_017651.5 and 2 more transcripts).
Identifiers: ClinVar variation 427859 (VCV000427859.2), dbSNP rs1554347012, ClinGen allele CA658657626.

ClinVar aggregate classification (germline): Pathogenic (0 of 4 stars; one submission).

Conditions:
Leber congenital amaurosis (LCA). Also called: Leber's amaurosis. Identifiers: Orphanet 65, MedGen C0339527, MeSH D057130, MONDO:0018998.

Submission:

Rui Chen Lab, Baylor College of Medicine
Classification: Pathogenic for Leber congenital amaurosis. Last evaluated: 2017-05-09. Review status: no assertion criteria provided. Collection method: research. Allele origin: germline. Affected: yes.
Comment: An in vitrominigene system was used to confirm that the variant disrupts splicing